The following is an entry in ClinVar:

ClinVar aggregate classification (germline): Likely pathogenic. Review status: criteria provided, multiple submitters, no conflicts (2 of 4 stars). 2 submissions from 2 submitters: Likely pathogenic (2). Last evaluated 2023-01-17.

Conditions:
Leber congenital amaurosis 13 (LCA13). Identifiers: MedGen C2675186, MONDO:0012990, OMIM 612712.

Submissions (2):

Labcorp Genetics (formerly Invitae), Labcorp
Classification: Likely pathogenic for Leber congenital amaurosis 13. Last evaluated: 2023-01-17. Review status: criteria provided, single submitter. Criteria: Invitae Variant Classification Sherloc (09022015). Collection method: clinical testing. Allele origin: germline.
Comment: This sequence change replaces alanine, which is neutral and non-polar, with proline, which is neutral and non-polar, at codon 60 of the RDH12 protein (p.Ala60Pro). This variant disrupts the p.Ala60 amino acid residue in RDH12. Other variant(s) that disrupt this residue have been observed in individuals with RDH12-related conditions (PMID: 33970760, 35006499), which suggests that this may be a clinically significant amino acid residue. In summary, the currently available evidence indicates that the variant is pathogenic, but additional data are needed to prove that conclusively. Therefore, this variant has been classified as Likely Pathogenic. Advanced modeling of protein sequence and biophysical properties (such as structural, functional, and spatial information, amino acid conservation, physicochemical variation, residue mobility, and thermodynamic stability) performed at Invitae indicates that this missense variant is expected to disrupt RDH12 protein function. ClinVar contains an entry for this variant (Variation ID: 803034). This missense change has been observed in individuals with autosomal recessive RDH12-related conditions (PMID: 23105016, 32865313). This variant is not present in population databases (gnomAD no frequency).

Mendelics
Classification: Likely pathogenic for Leber congenital amaurosis 13. Last evaluated: 2019-05-28. Review status: criteria provided, single submitter. Criteria: Mendelics Assertion Criteria 2017. Collection method: clinical testing. Allele origin: unknown.

Literature cited by the submitters: PubMed 33970760 (cited by Labcorp Genetics (formerly Invitae), Labcorp); PubMed 35006499 (cited by Labcorp Genetics (formerly Invitae), Labcorp); PubMed 23105016 (cited by Labcorp Genetics (formerly Invitae), Labcorp); PubMed 32865313 (cited by Labcorp Genetics (formerly Invitae), Labcorp).

NM_152443.3(RDH12):c.178G>C (p.Ala60Pro)

Genes: GPHN (gephyrin; plus strand), RDH12 (retinol dehydrogenase 12; plus strand). Cytogenetic location: 14q24.1.
Variant type: single nucleotide variant.
Coding change: c.178G>C on transcript NM_152443.3 (MANE Select); coding-DNA position 178, G replaced by C.
Protein change: p.Ala60Pro; replaces alanine 60 with proline.
Molecular consequence: missense variant.
Genome position (GRCh38, 1-based): chr14:67,724,582, G>C. VCF-style: chr14-67724582-G-C. GRCh37 (hg19) VCF-style: chr14-68191299-G-C.
Other names: short protein forms A60P.
Identifiers: ClinVar variation 803034 (VCV000803034.4), dbSNP rs749038454, ClinGen allele CA390148335.